The following is an entry in ClinVar:

ClinVar aggregate classification (germline): Uncertain significance (1 of 4 stars; one submission).

Submission:

Labcorp Genetics (formerly Invitae), Labcorp
Classification: Uncertain significance. Last evaluated: 2021-08-26. Review status: criteria provided, single submitter. Criteria: Invitae Variant Classification Sherloc (09022015). Collection method: clinical testing. Allele origin: germline.
Comment: This sequence change replaces histidine with tyrosine at codon 745 of the VPS13A protein (p.His745Tyr). The histidine residue is weakly conserved and there is a moderate physicochemical difference between histidine and tyrosine. This variant is not present in population databases (ExAC no frequency). This variant has not been reported in the literature in individuals affected with VPS13A-related conditions. Algorithms developed to predict the effect of missense changes on protein structure and function (SIFT, PolyPhen-2, Align-GVGD) all suggest that this variant is likely to be tolerated. In summary, the available evidence is currently insufficient to determine the role of this variant in disease. Therefore, it has been classified as a Variant of Uncertain Significance.

NM_033305.3(VPS13A):c.2233C>T (p.His745Tyr)

Gene: VPS13A (vacuolar protein sorting 13 homolog A; plus strand). Cytogenetic location: 9q21.2.
Variant type: single nucleotide variant.
Coding change: c.2233C>T on transcript NM_033305.3 (MANE Select); coding-DNA position 2233, C replaced by T.
Protein change: p.His745Tyr; replaces histidine 745 with tyrosine.
Molecular consequence: missense variant.
Genome position (GRCh38, 1-based): chr9:77,252,297, C>T. VCF-style: chr9-77252297-C-T. GRCh37 (hg19) VCF-style: chr9-79867213-C-T.
Other names: c.2233C>T, p.His745Tyr (NM_001018037.2, NM_001018038.3, NM_015186.4); short protein forms H745Y.
Identifiers: ClinVar variation 1412739 (VCV001412739.5), dbSNP rs1825187021, ClinGen allele CA373850739.